The following is an entry in ClinVar:

NM_001876.4(CPT1A):c.2138G>T (p.Gly713Val)

Gene: CPT1A (carnitine palmitoyltransferase 1A; minus strand). Cytogenetic location: 11q13.3.
Variant type: single nucleotide variant.
Coding change: c.2138G>T on transcript NM_001876.4 (MANE Select); coding-DNA position 2138, G replaced by T.
Protein change: p.Gly713Val; replaces glycine 713 with valine.
Molecular consequence: missense variant.
Genome position (GRCh38, 1-based): chr11:68,760,229, C>A on the plus strand (G>T on the coding strand, the complement: CPT1A is on the minus strand). VCF-style: chr11-68760229-C-A. GRCh37 (hg19) VCF-style: chr11-68527697-C-A.
Other names: c.2138G>T, p.Gly713Val (NM_001031847.3); short protein forms G713V.
Identifiers: ClinVar variation 2180784 (VCV002180784.1), dbSNP rs1946778016, ClinGen allele CA381625749.

ClinVar aggregate classification (germline): Uncertain significance (1 of 4 stars; one submission).

Conditions:
Carnitine palmitoyl transferase 1A deficiency. Also called: CPT I DEFICIENCY; CPT DEFICIENCY, HEPATIC, TYPE I; Carnitine palmitoyltransferase type I deficiency; Carnitine palmitoyltransferase 1A deficiency; CPT deficiency, hepatic, type IA. Identifiers: Orphanet 156, MedGen C1829703, MONDO:0009705, OMIM 255120.

Allele frequency attached by ClinVar (database versions not stated): gnomAD exomes below 0.00001; TOPMed below 0.00001.
gnomAD v4.1: 2 of 1,607,798 alleles (0.00012%); highest among the groups gnomAD compares: Non-Finnish European, 0.00017%; no homozygotes.

Submission:

Labcorp Genetics (formerly Invitae), Labcorp
Classification: Uncertain significance for Carnitine palmitoyl transferase 1A deficiency. Last evaluated: 2022-02-11. Review status: criteria provided, single submitter. Criteria: Invitae Variant Classification Sherloc (09022015). Collection method: clinical testing. Allele origin: germline.
Comment: This sequence change replaces glycine, which is neutral and non-polar, with valine, which is neutral and non-polar, at codon 713 of the CPT1A protein (p.Gly713Val). This variant is not present in population databases (gnomAD no frequency). This variant has not been reported in the literature in individuals affected with CPT1A-related conditions. Algorithms developed to predict the effect of missense changes on protein structure and function are either unavailable or do not agree on the potential impact of this missense change (SIFT: "Deleterious"; PolyPhen-2: "Probably Damaging"; Align-GVGD: "Class C0"). In summary, the available evidence is currently insufficient to determine the role of this variant in disease. Therefore, it has been classified as a Variant of Uncertain Significance.